The following is an entry in ClinVar:

ClinVar aggregate classification (germline): Pathogenic (1 of 4 stars; one submission).

Conditions:
Tuberous sclerosis 1 (TSC1). Identifiers: Orphanet 805, MedGen C1854465, MONDO:0008612, OMIM 191100.

Submission:

MVZ Medizinische Genetik Mainz
Classification: Pathogenic for Tuberous sclerosis 1. Last evaluated: 2025-07-30. Review status: criteria provided, single submitter. Criteria: UK Practice Guidelines For Variant Classification V4 01 2020. Collection method: clinical testing. Allele origin: germline. Inheritance: Autosomal dominant inheritance. Affected: yes. Observed: 1 variant allele.
Comment: ACMG Criteria: PVS1,PM2_SUP,PP4

NM_000368.5(TSC1):c.2089_2093dup (p.His699fs)

Gene: TSC1 (TSC complex subunit 1; minus strand). Cytogenetic location: 9q34.13.
Variant type: Duplication.
Coding change: c.2089_2093dup on transcript NM_000368.5 (MANE Select); coding-DNA positions 2089 to 2093, 5 bases duplicated (TTACT; older notation c.2089_2093dupTTACT).
Protein change: p.His699fs; shifts the reading frame from histidine 699.
Molecular consequence: frameshift variant. On other transcripts: non-coding transcript variant (4).
Genome position (GRCh38, 1-based): chr9:132,903,766-132,903,770, AGTAA duplicated on the plus strand (TTACT on the coding strand, the reverse complement: TSC1 is on the minus strand); duplicating any 5 consecutive bases within chr9:132,903,766-132,903,771 gives the same sequence; the c. name uses the placement nearest the transcript's 3' end. VCF-style (leftmost placement, unchanged base first): chr9-132903765-C-CAGTAA. GRCh37 (hg19) VCF-style: chr9-135779152-C-CAGTAA.
Other names: c.2086_2090dup, p.His698fs (NM_001162426.2, NM_001406597.1, NM_001406598.1 and 4 more transcripts); c.1936_1940dup, p.His648fs (NM_001162427.2, NM_001406610.1); c.1726_1730dup, p.His578fs (NM_001362177.2, NM_001406614.1, NM_001406615.1 and 5 more transcripts); c.2089_2093dup, p.His699fs (NM_001406592.1, NM_001406593.1, NM_001406594.1 and 5 more transcripts); c.2074_2078dup, p.His694fs (NM_001406601.1, NM_001406602.1); c.2071_2075dup, p.His693fs (NM_001406603.1, NM_001406604.1); c.1933_1937dup, p.His647fs (NM_001406611.1, NM_001406612.1, NM_001406613.1); c.1723_1727dup, p.His577fs (NM_001406620.1, NM_001406621.1, NM_001406622.1 and 2 more transcripts); and 3 more; short protein forms H348fs, H381fs, H382fs, H577fs, H578fs, H647fs, H648fs, H693fs.
Identifiers: ClinVar variation 4077081 (VCV004077081.1).